The following is an entry in ClinVar:

ClinVar aggregate classification (germline): Likely benign (1 of 4 stars; one submission).

gnomAD v4.1: 9 of 1,605,870 alleles (0.00056%); highest among the groups gnomAD compares: African/African-American, 0.0027%; no homozygotes.

Submission:

CeGaT Center for Human Genetics Tuebingen
Classification: Likely benign. Last evaluated: 2026-04-01. Review status: criteria provided, single submitter. Criteria: CeGaT Center For Human Genetics Tuebingen Variant Classification Criteria Version 2. Collection method: clinical testing. Allele origin: germline. Affected: yes. Observed: 1 variant allele.
Comment: KDM6B: BP4, BP7

NM_001348716.2(KDM6B):c.2898G>A (p.Ala966=)

Gene: KDM6B (lysine demethylase 6B; plus strand). Cytogenetic location: 17p13.1.
Variant type: single nucleotide variant.
Coding change: c.2898G>A on transcript NM_001348716.2 (MANE Select); coding-DNA position 2898, G replaced by A.
Protein change: p.Ala966=; no amino-acid change (alanine 966 retained).
Molecular consequence: synonymous variant.
Genome position (GRCh38, 1-based): chr17:7,849,186, G>A. VCF-style: chr17-7849186-G-A. GRCh37 (hg19) VCF-style: chr17-7752504-G-A.
Other names: c.2898G>A, p.Ala966= (NM_001080424.2).
Identifiers: ClinVar variation 4821795 (VCV004821795.4).